The following is an entry in ClinVar:

ClinVar aggregate classification (germline): Pathogenic (1 of 4 stars; one submission).

Conditions:
Familial cancer of breast. Also called: Hereditary breast cancer; hereditary breast carcinoma; BREAST CANCER, FAMILIAL. Identifiers: Orphanet 227535, MedGen C0346153, MONDO:0016419, OMIM 114480. Disease mechanism: loss of function.

Submission:

Labcorp Genetics (formerly Invitae), Labcorp
Classification: Pathogenic for Familial cancer of breast. Last evaluated: 2024-08-27. Review status: criteria provided, single submitter. Criteria: Invitae Variant Classification Sherloc (09022015). Collection method: clinical testing. Allele origin: germline.
Comment: This sequence change creates a premature translational stop signal (p.Asn446Serfs*18) in the CHEK2 gene. It is expected to result in an absent or disrupted protein product. Loss-of-function variants in CHEK2 are known to be pathogenic (PMID: 21876083, 24713400). This variant is not present in population databases (gnomAD no frequency). This variant has not been reported in the literature in individuals affected with CHEK2-related conditions. For these reasons, this variant has been classified as Pathogenic.

Literature cited by the submitters: PubMed 21876083; PubMed 24713400.

NM_007194.4(CHEK2):c.1336_1351del (p.Asn446fs)

Gene: CHEK2 (checkpoint kinase 2; minus strand). Cytogenetic location: 22q12.1.
Variant type: Deletion.
Coding change: c.1336_1351del on transcript NM_007194.4 (MANE Select); coding-DNA positions 1336 to 1351, 16 bases deleted (AACTTCATTCCTGAAG).
Protein change: p.Asn446fs; shifts the reading frame from asparagine 446.
Molecular consequence: frameshift variant.
Genome position (GRCh38, 1-based): chr22:28,695,151-28,695,166, CTTCAGGAATGAAGTT deleted on the plus strand (AACTTCATTCCTGAAG on the coding strand, the reverse complement: CHEK2 is on the minus strand). VCF-style (leftmost placement, unchanged base first): chr22-28695150-ACTTCAGGAATGAAGTT-A. GRCh37 (hg19) VCF-style: chr22-29091138-ACTTCAGGAATGAAGTT-A.
Other names: c.1465_1480del16, p.Asn489Serfs (NM_001005735.3); c.673_688del16, p.Asn225Serfs (NM_001257387.3); c.1135_1150del16, p.Asn379Serfs (NM_001349956.3); c.1249_1264del16, p.Asn417Serfs (NM_145862.3); short protein forms N446fs, N225fs, N379fs, N489fs, N417fs.
Identifiers: ClinVar variation 3663516 (VCV003663516.2).